The following is an entry in ClinVar:

NM_000975.5(RPL11):c.508-2A>G

Gene: RPL11 (ribosomal protein L11; plus strand). Cytogenetic location: 1p36.11.
Variant type: single nucleotide variant.
Coding change: c.508-2A>G on transcript NM_000975.5 (MANE Select); the canonical splice acceptor site of the intron before coding-DNA position 508, A replaced by G.
Molecular consequence: splice acceptor variant.
Genome position (GRCh38, 1-based): chr1:23,696,342, A>G. VCF-style: chr1-23696342-A-G. GRCh37 (hg19) VCF-style: chr1-24022832-A-G.
Other names: c.505-2A>G (NM_001199802.1).
Identifiers: ClinVar variation 639774 (VCV000639774.2), dbSNP rs1570569383, ClinGen allele CA338994847.

ClinVar aggregate classification (germline): Pathogenic (1 of 4 stars; one submission).

Conditions:
Diamond-Blackfan anemia. Also called: Aase syndrome; Blackfan Diamond syndrome; Aregenerative anemia chronic congenital; Red cell aplasia, pure hereditary; Congenital hypoplastic anemia. Identifiers: Orphanet 124, MedGen C1260899, MeSH D029503, MONDO:0015253, HP:0004810.

Submission:

Labcorp Genetics (formerly Invitae), Labcorp
Classification: Pathogenic for Diamond-Blackfan anemia. Last evaluated: 2018-12-11. Review status: criteria provided, single submitter. Criteria: Invitae Variant Classification Sherloc (09022015). Collection method: clinical testing. Allele origin: germline.
Comment: This sequence change affects an acceptor splice site in the last intron (intron 5) of the RPL11 gene. While this is not anticipated to result in nonsense mediated decay, it likely alters RNA splicing and results in a disrupted protein product. This variant is not present in population databases (ExAC no frequency). This variant has been observed in individuals affected with Diamond-Blackfan anemiaÂ¬â€ (PMID:Â¬â€ 19773262, Invitae). In one of these individuals, it has been observed to be de novo (Invitae). Nucleotide substitutions within the consensus splice site are a relatively common cause of aberrant splicing (PMID: 17576681, 9536098). Algorithms developed to predict the effect of sequence changes on RNA splicing suggest that this variant may disrupt the consensus splice site, but this prediction has not been confirmed by published transcriptional studies. For these reasons, this variant has been classified as Pathogenic.